The following is an entry in ClinVar:

ClinVar aggregate classification (germline): Uncertain significance (1 of 4 stars; one submission).

Submission:

Ambry Genetics
Classification: Uncertain significance. Last evaluated: 2023-01-08. Review status: criteria provided, single submitter. Criteria: Ambry Variant Classification Scheme 2023. Collection method: clinical testing. Allele origin: germline.
Comment: The p.C127F variant (also known as c.380G>T), located in coding exon 1 of the EGLN1 gene, results from a G to T substitution at nucleotide position 380. The cysteine at codon 127 is replaced by phenylalanine, an amino acid with highly dissimilar properties. This amino acid position is conserved. In addition, this alteration is predicted to be tolerated by in silico analysis. Since supporting evidence is limited at this time, the clinical significance of this alteration remains unclear.

NM_022051.3(EGLN1):c.380G>T (p.Cys127Phe)

Gene: EGLN1 (egl-9 family hypoxia inducible factor 1; minus strand). Cytogenetic location: 1q42.2.
Variant type: single nucleotide variant.
Coding change: c.380G>T on transcript NM_022051.3 (MANE Select); coding-DNA position 380, G replaced by T.
Protein change: p.Cys127Phe; replaces cysteine 127 with phenylalanine.
Molecular consequence: missense variant.
Genome position (GRCh38, 1-based): chr1:231,421,509, C>A on the plus strand (G>T on the coding strand, the complement: EGLN1 is on the minus strand). VCF-style: chr1-231421509-C-A. GRCh37 (hg19) VCF-style: chr1-231557255-C-A.
Other names: c.380G>T, p.Cys127Phe (NM_001377260.1, NM_001377261.1); short protein forms C127F.
Identifiers: ClinVar variation 2457348 (VCV002457348.2), dbSNP rs12097901, ClinGen allele CA345237355.